The following is an entry in ClinVar:

Conditions:
Long QT syndrome 5 (LQT5). Identifiers: Orphanet 101016, Orphanet 768, MedGen C1867904, MONDO:0013372, OMIM 613695.

Submission:

Roden Lab, Vanderbilt University Medical Center
No classification provided (evidence only). Condition: Long QT syndrome 5. Review status: no classification provided. Collection method: in vitro. Allele origin: not applicable. Functional consequence: Effect on ion channel function.
ClinVar note: "not provided" was previously submitted as the classification for the variant. However, the classification appeared to be based only on an observation of functional data so it was converted to no classification on 2025-07-30.

NM_000219.6(KCNE1):c.306C>G (p.Ser102Arg)

Gene: KCNE1 (potassium voltage-gated channel subfamily E regulatory subunit 1; minus strand). Cytogenetic location: 21q22.12.
Variant type: single nucleotide variant.
Coding change: c.306C>G on transcript NM_000219.6 (MANE Select); coding-DNA position 306, C replaced by G.
Protein change: p.Ser102Arg; replaces serine 102 with arginine.
Molecular consequence: missense variant.
Genome position (GRCh38, 1-based): chr21:34,449,329, G>C on the plus strand (C>G on the coding strand, the complement: KCNE1 is on the minus strand). VCF-style: chr21-34449329-G-C. GRCh37 (hg19) VCF-style: chr21-35821627-G-C.
Other names: c.306C>G, p.Ser102Arg (NM_001127668.4, NM_001127669.4, NM_001127670.4 and 4 more transcripts); short protein forms S102R.
Identifiers: ClinVar variation 3374590 (VCV003374590.2).